The following is an entry in ClinVar:

ClinVar aggregate classification (germline): Uncertain significance (1 of 4 stars; one submission).

Conditions:
Hereditary sensory neuropathy-deafness-dementia syndrome. Also called: Hereditary sensory neuropathy type IE; HSN IE; NEUROPATHY, HEREDITARY SENSORY, WITH HEARING LOSS AND DEMENTIA; Hereditary Sensory and Autonomic Neuropathy Type 1E (HSAN1E). Identifiers: Orphanet 456318, MedGen C3279885, MONDO:0013584, OMIM 614116.

gnomAD v4.1: 2 of 1,614,054 alleles (0.00012%); highest among the groups gnomAD compares: Non-Finnish European, 0.00017%; no homozygotes.

Submission:

Labcorp Genetics (formerly Invitae), Labcorp
Classification: Uncertain significance for Hereditary sensory neuropathy-deafness-dementia syndrome. Last evaluated: 2025-04-17. Review status: criteria provided, single submitter. Criteria: Invitae Variant Classification Sherloc (09022015). Collection method: clinical testing. Allele origin: germline.
Comment: This sequence change replaces phenylalanine, which is neutral and non-polar, with valine, which is neutral and non-polar, at codon 515 of the DNMT1 protein (p.Phe515Val). This variant is present in population databases (rs760542365, gnomAD 0.0009%). This variant has not been reported in the literature in individuals affected with DNMT1-related conditions. Invitae Evidence Modeling of protein sequence and biophysical properties (such as structural, functional, and spatial information, amino acid conservation, physicochemical variation, residue mobility, and thermodynamic stability) indicates that this missense variant is not expected to disrupt DNMT1 protein function with a negative predictive value of 80%. In summary, the available evidence is currently insufficient to determine the role of this variant in disease. Therefore, it has been classified as a Variant of Uncertain Significance.

NM_001130823.3(DNMT1):c.1543T>G (p.Phe515Val)

Gene: DNMT1 (DNA methyltransferase 1; minus strand). Cytogenetic location: 19p13.2.
Variant type: single nucleotide variant.
Coding change: c.1543T>G on transcript NM_001130823.3 (MANE Select); coding-DNA position 1543, T replaced by G.
Protein change: p.Phe515Val; replaces phenylalanine 515 with valine.
Molecular consequence: missense variant.
Genome position (GRCh38, 1-based): chr19:10,155,006, A>C on the plus strand (T>G on the coding strand, the complement: DNMT1 is on the minus strand). VCF-style: chr19-10155006-A-C. GRCh37 (hg19) VCF-style: chr19-10265682-A-C.
Other names: c.1495T>G, p.Phe499Val (NM_001318730.2, NM_001379.4); c.1180T>G, p.Phe394Val (NM_001318731.2); short protein forms F394V, F515V, F499V.
Identifiers: ClinVar variation 4754898 (VCV004754898.1).